The following is an entry in ClinVar:

NM_024529.5(CDC73):c.993G>C (p.Lys331Asn)

Gene: CDC73 (cell division cycle 73; plus strand). Cytogenetic location: 1q31.2.
Variant type: single nucleotide variant.
Coding change: c.993G>C on transcript NM_024529.5 (MANE Select); coding-DNA position 993, G replaced by C.
Protein change: p.Lys331Asn; replaces lysine 331 with asparagine.
Molecular consequence: missense variant.
Genome position (GRCh38, 1-based): chr1:193,203,815, G>C. VCF-style: chr1-193203815-G-C. GRCh37 (hg19) VCF-style: chr1-193172945-G-C.
Other names: short protein forms K331N.
Identifiers: ClinVar variation 1906434 (VCV001906434.5), dbSNP rs2527440115, ClinGen allele CA344076117.

ClinVar aggregate classification (germline): Uncertain significance (1 of 4 stars; one submission).

Conditions:
Parathyroid carcinoma (PRTC). Also called: Parathyroid gland carcinoma; CDC73-Related Parathyroid Carcinoma. Identifiers: Orphanet 143, MedGen C0687150, MONDO:0012004, OMIM 608266, HP:0006780.

Submission:

Labcorp Genetics (formerly Invitae), Labcorp
Classification: Uncertain significance for Parathyroid carcinoma. Last evaluated: 2022-03-05. Review status: criteria provided, single submitter. Criteria: Invitae Variant Classification Sherloc (09022015). Collection method: clinical testing. Allele origin: germline.
Comment: This sequence change replaces lysine, which is basic and polar, with asparagine, which is neutral and polar, at codon 331 of the CDC73 protein (p.Lys331Asn). This variant is not present in population databases (gnomAD no frequency). This variant has not been reported in the literature in individuals affected with CDC73-related conditions. Algorithms developed to predict the effect of missense changes on protein structure and function are either unavailable or do not agree on the potential impact of this missense change (SIFT: "Tolerated"; PolyPhen-2: "Possibly Damaging"; Align-GVGD: "Class C0"). In summary, the available evidence is currently insufficient to determine the role of this variant in disease. Therefore, it has been classified as a Variant of Uncertain Significance.